The following is an entry in ClinVar:

ClinVar aggregate classification (germline): Uncertain significance (1 of 4 stars; one submission).

Conditions:
Cardiovascular phenotype. Identifiers: MedGen CN230736.

Submission:

Ambry Genetics
Classification: Uncertain significance for Cardiovascular phenotype. Last evaluated: 2024-04-12. Review status: criteria provided, single submitter. Criteria: Ambry Variant Classification Scheme 2023. Collection method: clinical testing. Allele origin: germline.
Comment: The p.E1671K variant (also known as c.5011G>A), located in coding exon 23 of the DSP gene, results from a G to A substitution at nucleotide position 5011. The glutamic acid at codon 1671 is replaced by lysine, an amino acid with similar properties. This amino acid position is conserved. In addition, the in silico prediction for this alteration is inconclusive. Based on the available evidence, the clinical significance of this variant remains unclear.

NM_004415.4(DSP):c.5011G>A (p.Glu1671Lys)

Gene: DSP (desmoplakin; plus strand). Cytogenetic location: 6p24.3.
Variant type: single nucleotide variant.
Coding change: c.5011G>A on transcript NM_004415.4 (MANE Select); coding-DNA position 5011, G replaced by A.
Protein change: p.Glu1671Lys; replaces glutamic acid 1671 with lysine.
Molecular consequence: missense variant. On other transcripts: intron variant (2).
Genome position (GRCh38, 1-based): chr6:7,581,201, G>A. VCF-style: chr6-7581201-G-A. GRCh37 (hg19) VCF-style: chr6-7581434-G-A.
Other names: c.4050+961G>A (NM_001319034.2); c.3582+1429G>A (NM_001008844.3); short protein forms E1671K.
Identifiers: ClinVar variation 3273891 (VCV003273891.1).